The following is an entry in ClinVar:

ClinVar aggregate classification (germline): Likely benign (0 of 4 stars; one submission).

Conditions:
SH2B1-related disorder. Also called: SH2B1-related condition.

Allele frequency attached by ClinVar (database versions not stated): TOPMed 0.00004; gnomAD 0.00005; 1000 Genomes Project 30x 0.00016; ExAC 0.00027.

Submission:

PreventionGenetics, part of Exact Sciences
Classification: Likely benign for SH2B1-related condition. Last evaluated: 2020-10-09. Review status: no assertion criteria provided. Collection method: clinical testing. Allele origin: germline.
Comment: This variant is classified as likely benign based on ACMG/AMP sequence variant interpretation guidelines (Richards et al. 2015 PMID: 25741868, with internal and published modifications).

NM_001387430.1(SH2B1):c.42G>A (p.Ser14=)

Gene: SH2B1 (SH2B adaptor protein 1; plus strand). Cytogenetic location: 16p11.2.
Variant type: single nucleotide variant.
Coding change: c.42G>A on transcript NM_001387430.1 (MANE Select); coding-DNA position 42, G replaced by A.
Protein change: p.Ser14=; no amino-acid change (serine 14 retained).
Molecular consequence: synonymous variant. On other transcripts: intron variant (1).
Genome position (GRCh38, 1-based): chr16:28,866,136, G>A. VCF-style: chr16-28866136-G-A. GRCh37 (hg19) VCF-style: chr16-28877457-G-A.
Other names: c.42G>A, p.Ser14= (NM_001145795.2, NM_001145796.2, NM_001145797.2 and 4 more transcripts); c.-26-1238G>A (NM_001308294.2).
Identifiers: ClinVar variation 3032923 (VCV003032923.2), dbSNP rs773538002, ClinGen allele CA7985829.
Genomic context (GRCh38, chr16:28,866,136, plus strand): 5'-CCACCTCCTGGGGCCCATCATGAATGGTGCCCCTTCCCCAGAGGACGGGGCCTCCCCCTC[G>A]TCTCCCCCGCTGCCCCCACCCCCGCCCCCTAGTTGGCGGGAGTTCTGTGAGTCCCACGCC-3'
Protein context (NP_001374359.1, residues 4-24): APSPEDGASP[Ser14=]SPPLPPPPPP